The following is an entry in ClinVar:

NM_000384.3(APOB):c.4698C>T (p.Tyr1566=)

Gene: APOB (apolipoprotein B; minus strand). Cytogenetic location: 2p24.1.
Variant type: single nucleotide variant.
Coding change: c.4698C>T on transcript NM_000384.3 (MANE Select); coding-DNA position 4698, C replaced by T.
Protein change: p.Tyr1566=; no amino-acid change (tyrosine 1566 retained).
Molecular consequence: synonymous variant.
Genome position (GRCh38, 1-based): chr2:21,012,170, G>A on the plus strand (C>T on the coding strand, the complement: APOB is on the minus strand). VCF-style: chr2-21012170-G-A. GRCh37 (hg19) VCF-style: chr2-21235042-G-A.
Identifiers: ClinVar variation 627778 (VCV000627778.17), dbSNP rs374547474, ClinGen allele CA061217.

ClinVar aggregate classification (germline): Likely benign. Review status: criteria provided, multiple submitters, no conflicts (2 of 4 stars). 4 submissions from 4 submitters: Likely benign (4). Last evaluated 2025-09-22.

Conditions:
Cardiovascular phenotype. Identifiers: MedGen CN230736.
Familial hypobetalipoproteinemia 1. Also called: Hypobetalipoproteinemia, normotriglyceridemic; Acanthocytosis with hypobetalipoproteinemia; APOB-Related Familial Hypobetalipoproteinemia. Identifiers: MedGen C4551990, MONDO:0014252, OMIM 615558.
Hypercholesterolemia, autosomal dominant, type B (FHCL2). Also called: Familial Hypercholesterolemia Type B; APOLIPOPROTEIN B-100, FAMILIAL DEFECTIVE; APOLIPOPROTEIN B-100, FAMILIAL LIGAND-DEFECTIVE; APOB-Related Familial Hypercholesterolemia, Autosomal Dominant; Hyperlipoproteinemia Type IIb; HYPERCHOLESTEROLEMIA, FAMILIAL, DUE TO LIGAND-DEFECTIVE APOLIPOPROTEIN B. Identifiers: MedGen C1704417, MONDO:0007751, OMIM 144010.
Familial hypercholesterolemia. Also called: Familial hypercholesterolaemia; Familial hypercholesterolemias. Identifiers: MedGen C0020445, MONDO:0005439.

Allele frequency attached by ClinVar (database versions not stated): gnomAD exomes 0.00006; TOPMed 0.00007; ExAC 0.00008; gnomAD 0.00009 and 0.00010; 1000 Genomes Project 30x 0.00016; 1000 Genomes Project 0.00020; ESP Exome Variant Server 0.00023.
gnomAD v4.1: 98 of 1,601,496 alleles (0.0061%); highest among the groups gnomAD compares: Middle Eastern, 0.017%; no homozygotes.

Submissions (4):

Labcorp Genetics (formerly Invitae), Labcorp
Classification: Likely benign for Familial hypobetalipoproteinemia 1; Hypercholesterolemia, autosomal dominant, type B. Last evaluated: 2025-09-22. Review status: criteria provided, single submitter. Criteria: Invitae Variant Classification Sherloc (09022015). Collection method: clinical testing. Allele origin: germline.

GENinCode PLC
Classification: Likely benign for Familial hypercholesterolemia. Last evaluated: 2025-01-09. Review status: criteria provided, single submitter. Criteria: ACMG Guidelines, 2015. Collection method: clinical testing. Allele origin: germline.
Comment: This is a synonymous (silent) variant that is not predicted to impact splicing and occurs at a nucleotide which is not highly conserved. This variant has been classified as Likely Benign (BP4, BP7).

Ambry Genetics
Classification: Likely benign for Cardiovascular phenotype. Last evaluated: 2022-08-14. Review status: criteria provided, single submitter. Criteria: Ambry Variant Classification Scheme 2023. Collection method: clinical testing. Allele origin: germline.

Blueprint Genetics
Classification: Likely benign. Last evaluated: 2020-09-08. Review status: criteria provided, single submitter. Criteria: ACMG Guidelines, 2015. Collection method: clinical testing. Allele origin: germline.